The following is an entry in ClinVar:

NM_000091.5(COL4A3):c.3160G>A (p.Gly1054Arg)

Genes: COL4A3 (collagen type IV alpha 3 chain; plus strand), MFF-DT (MFF divergent transcript; minus strand). Cytogenetic location: 2q36.3.
Variant type: single nucleotide variant.
Coding change: c.3160G>A on transcript NM_000091.5 (MANE Select); coding-DNA position 3160, G replaced by A.
Protein change: p.Gly1054Arg; replaces glycine 1054 with arginine.
Molecular consequence: missense variant.
Genome position (GRCh38, 1-based): chr2:227,290,836, G>A. VCF-style: chr2-227290836-G-A. GRCh37 (hg19) VCF-style: chr2-228155552-G-A.
Other names: short protein forms G1054R.
Identifiers: ClinVar variation 4531843 (VCV004531843.1).

ClinVar aggregate classification (germline): Likely pathogenic (1 of 4 stars; one submission).

Conditions:
Alport syndrome. Also called: Hemorrhagic familial nephritis; Hemorrhagic hereditary nephritis; Congenital hereditary hematuria. Identifiers: Orphanet 63, MedGen C1567741, MONDO:0018965.

gnomAD v4.1: 2 of 1,613,806 alleles (0.00012%); highest among the groups gnomAD compares: South Asian, 0.0011%; no homozygotes.

Submission:

Victorian Clinical Genetics Services, Murdoch Childrens Research Institute
Classification: Likely pathogenic for Alport syndrome. Last evaluated: 2025-05-19. Review status: criteria provided, single submitter. Criteria: ACMG Guidelines, 2015. Collection method: clinical testing. Allele origin: germline. Affected: yes.
Comment: This variant is classified as Likely pathogenic. Evidence in support of pathogenic classification: Variant is present in gnomAD <0.01 (v4: 2 heterozygote(s), 0 homozygote(s)) ; Variant is located in the well-established functional Gly-X-Y motif in the collagen triple helical domain (DECIPHER); Missense variant predicted to be damaging by in silico tool(s) or highly conserved with a major amino acid change. Additional information: Variant is predicted to result in a missense amino acid change from glycine to arginine; This variant is heterozygous; This gene is associated with both recessive and dominant Alport syndrome (MONDO:0018965), COL4A3-related; This variant has no previous evidence of pathogenicity; No published segregation evidence has been identified for this variant; No published functional evidence has been identified for this variant; No comparable missense variants have previous evidence for pathogenicity; Dominant negative and loss of function are known mechanisms of disease in this gene and are associated with Alport syndrome (MONDO:0018965), COL4A3-related. Glycine changes that are part of a G-X-Y repeat in the triple helix of a collagen domain are known to have a dominant negative effect (PMID: 12028435); Inheritance information for this variant is not currently available in this individual.

Literature cited by the submitters: PubMed 12028435.